The following is an entry in ClinVar:

ClinVar aggregate classification (germline): Pathogenic (1 of 4 stars; one submission).

Submission:

Labcorp Genetics (formerly Invitae), Labcorp
Classification: Pathogenic. Last evaluated: 2022-06-29. Review status: criteria provided, single submitter. Criteria: Invitae Variant Classification Sherloc (09022015). Collection method: clinical testing. Allele origin: germline.
Comment: This sequence change creates a premature translational stop signal (p.Val198Cysfs*40) in the IDH3A gene. It is expected to result in an absent or disrupted protein product. Loss-of-function variants in IDH3A are known to be pathogenic (PMID: 28412069). This variant is present in population databases (no rsID available, gnomAD 0.002%). This variant has not been reported in the literature in individuals affected with IDH3A-related conditions. For these reasons, this variant has been classified as Pathogenic.

Literature cited by the submitters: PubMed 28412069.

NM_005530.3(IDH3A):c.592del (p.Val198fs)

Gene: IDH3A (isocitrate dehydrogenase (NAD(+)) 3 catalytic subunit alpha; plus strand). Cytogenetic location: 15q25.1.
Variant type: Deletion.
Coding change: c.592del on transcript NM_005530.3 (MANE Select); coding-DNA position 592, one base deleted (G; older notation c.592delG).
Protein change: p.Val198fs; shifts the reading frame from valine 198.
Molecular consequence: frameshift variant.
Genome position (GRCh38, 1-based): chr15:78,162,348, G deleted; the last of 2 consecutive G bases (chr15:78,162,347-78,162,348); deleting either gives the same sequence. VCF-style (leftmost placement, unchanged base first): chr15-78162346-CG-C. GRCh37 (hg19) VCF-style: chr15-78454688-CG-C.
Other names: short protein forms V198fs.
Identifiers: ClinVar variation 2065182 (VCV002065182.1), dbSNP rs1168782890, ClinGen allele CA619210113.